The following is an entry in ClinVar:

ClinVar aggregate classification (germline): Uncertain significance. Review status: criteria provided, multiple submitters, no conflicts (2 of 4 stars). 2 submissions from 2 submitters: Uncertain significance (2). Last evaluated 2025-12-26.

Conditions:
POLD1-related polyposis and colorectal cancer syndrome (CRCS10). Also called: Colorectal cancer 10; Colorectal cancer, susceptibility to, 10; COLORECTAL CANCER, SUSCEPTIBILITY TO, ON CHROMOSOME 19q. Identifiers: Orphanet 220460, MedGen C2675481, MONDO:0012953, OMIM 612591.
Hereditary cancer-predisposing syndrome. Also called: Tumor predisposition; Hereditary Cancer Syndrome; Hereditary neoplastic syndrome; Neoplastic Syndromes, Hereditary. Identifiers: Orphanet 140162, MedGen C0027672, MeSH D009386, MONDO:0015356.

Submissions (2):

Ambry Genetics
Classification: Uncertain significance for Hereditary cancer-predisposing syndrome. Last evaluated: 2025-12-26. Review status: criteria provided, single submitter. Criteria: Ambry Variant Classification Scheme 2023. Collection method: clinical testing. Allele origin: germline.
Comment: The p.Q955* variant (also known as c.2863C>T), located in coding exon 22 of the POLD1 gene, results from a C to T substitution at nucleotide position 2863. This changes the amino acid from a glutamine to a stop codon within coding exon 22. This alteration is expected to result in protein truncation or nonsense-mediated mRNA decay. However, loss of function has not been established as a mechanism of disease. Based on the available evidence, the clinical significance of this alteration remains unclear.

Labcorp Genetics (formerly Invitae), Labcorp
Classification: Uncertain significance for POLD1-related polyposis and colorectal cancer syndrome. Last evaluated: 2023-09-05. Review status: criteria provided, single submitter. Criteria: Invitae Variant Classification Sherloc (09022015). Collection method: clinical testing. Allele origin: germline.
Comment: In summary, the available evidence is currently insufficient to determine the role of this variant in disease. Therefore, it has been classified as a Variant of Uncertain Significance. This variant has not been reported in the literature in individuals affected with POLD1-related conditions. This variant is not present in population databases (gnomAD no frequency). This sequence change creates a premature translational stop signal (p.Gln955*) in the POLD1 gene. Missense variants that disrupt the 3'-5' exonuclease (proof-reading) activity of the POLD1 protein are associated with PPAP (polymerase proofreading–associated polyposis) (PMID: 23263490, 23447401). However, loss-of-function variants that result in an absent or severely disrupted POLD1 protein, and missense variants outside the exonuclease domain, are unlikely to be associated with PPAP.

Literature cited by the submitters: PubMed 23263490 (cited by Labcorp Genetics (formerly Invitae), Labcorp); PubMed 23447401 (cited by Labcorp Genetics (formerly Invitae), Labcorp).

NM_002691.4(POLD1):c.2863C>T (p.Gln955Ter)

Gene: POLD1 (DNA polymerase delta 1, catalytic subunit; plus strand). Cytogenetic location: 19q13.33.
Variant type: single nucleotide variant.
Coding change: c.2863C>T on transcript NM_002691.4 (MANE Select); coding-DNA position 2863, C replaced by T.
Protein change: p.Gln955Ter; replaces glutamine 955 with a stop codon.
Molecular consequence: nonsense. On other transcripts: non-coding transcript variant (1).
Genome position (GRCh38, 1-based): chr19:50,416,438, C>T. VCF-style: chr19-50416438-C-T. GRCh37 (hg19) VCF-style: chr19-50919695-C-T.
Other names: c.2863C>T, p.Gln955Ter (NM_001256849.1); c.2941C>T, p.Gln981Ter (NM_001308632.1); c.2863C>T (NM_002691.2); short protein forms Q981*, Q955*.
Identifiers: ClinVar variation 2765260 (VCV002765260.4), dbSNP rs2039293584, ClinGen allele CA406986357.
Genomic context (GRCh38, chr19:50,416,438, plus strand): 5'-ACTGCCATGTGGCCGCAGGACCCGCTGTTCGTGCTGGAGCACAGCCTGCCCATTGACACG[C>T]AGTACTACCTGGAGCAGCAGCTGGCCAAGCCCCTCCTGCGCATCTTCGAGCCCATCCTGG-3'